The following is an entry in ClinVar:

ClinVar aggregate classification (germline): Uncertain significance. Review status: criteria provided, multiple submitters, no conflicts (2 of 4 stars). 2 submissions from 2 submitters: Uncertain significance (2). Last evaluated 2026-03-17.

Conditions:
Cardiovascular phenotype. Identifiers: MedGen CN230736.

Submissions (2):

GeneDx
Classification: Uncertain significance. Last evaluated: 2026-03-17. Review status: criteria provided, single submitter. Criteria: GeneDx Variant Classification Process June 2021. Collection method: clinical testing. Allele origin: germline.
Comment: Not observed at significant frequency in large population cohorts (gnomAD); In silico analysis suggests that this missense variant does not alter protein structure/function; Has not been previously published as pathogenic or benign to our knowledge

Ambry Genetics
Classification: Uncertain significance for Cardiovascular phenotype. Last evaluated: 2025-06-07. Review status: criteria provided, single submitter. Criteria: Ambry Variant Classification Scheme 2023. Collection method: clinical testing. Allele origin: germline.

NM_004982.4(KCNJ8):c.1169A>G (p.Asn390Ser)

Genes: KCNJ8 (potassium inwardly rectifying channel subfamily J member 8; minus strand), KCNJ8-AS1 (KCNJ8 antisense RNA 1; plus strand). Cytogenetic location: 12p12.1.
Variant type: single nucleotide variant.
Coding change: c.1169A>G on transcript NM_004982.4 (MANE Select); coding-DNA position 1169, A replaced by G.
Protein change: p.Asn390Ser; replaces asparagine 390 with serine.
Molecular consequence: missense variant.
Genome position (GRCh38, 1-based): chr12:21,765,829, T>C on the plus strand (A>G on the coding strand, the complement: KCNJ8 is on the minus strand). VCF-style: chr12-21765829-T-C. GRCh37 (hg19) VCF-style: chr12-21918763-T-C.
Other names: short protein forms N390S.
Identifiers: ClinVar variation 4041688 (VCV004041688.2).
Genomic context (GRCh38, chr12:21,765,829, plus strand): 5'-ACCTTTGGTACCATGAGGGAAGAATTGTTCCTTCGGATAGAATTGTTCCTCCTCATGGAA[T>C]TGTTTCTTCTCATGGAGTTGCGCTTCCTCAGAGAATTTTGATGAGACAGTTCACTCTTTT-3'
Protein context (NP_004973.1, residues 380-400): LRKRNSMRRN[Asn390Ser]SMRRNNSIRR